The following is an entry in ClinVar:

NM_030624.3(KLHL15):c.879G>A (p.Met293Ile)

Gene: KLHL15 (kelch like family member 15; minus strand). Cytogenetic location: Xp22.11.
Variant type: single nucleotide variant.
Coding change: c.879G>A on transcript NM_030624.3 (MANE Select); coding-DNA position 879, G replaced by A.
Protein change: p.Met293Ile; replaces methionine 293 with isoleucine.
Molecular consequence: missense variant.
Genome position (GRCh38, 1-based): chrX:23,988,857, C>T on the plus strand (G>A on the coding strand, the complement: KLHL15 is on the minus strand). VCF-style: chrX-23988857-C-T. GRCh37 (hg19) VCF-style: chrX-24006974-C-T.
Other names: short protein forms M293I.
Identifiers: ClinVar variation 4544425 (VCV004544425.2).

ClinVar aggregate classification (germline): Uncertain significance. Review status: criteria provided, multiple submitters, no conflicts (2 of 4 stars). 2 submissions from 2 submitters: Uncertain significance (2). Last evaluated 2026-03-24.

Submissions (2):

GeneDx
Classification: Uncertain significance. Last evaluated: 2026-03-24. Review status: criteria provided, single submitter. Criteria: GeneDx Variant Classification Process June 2021. Collection method: clinical testing. Allele origin: germline.
Comment: Not observed at significant frequency in large population cohorts (gnomAD); In silico analysis suggests that this missense variant does not alter protein structure/function; Has not been previously published as pathogenic or benign to our knowledge

Ambry Genetics
Classification: Uncertain significance. Last evaluated: 2025-10-21. Review status: criteria provided, single submitter. Criteria: Ambry Variant Classification Scheme 2023. Collection method: clinical testing. Allele origin: germline.